The following is an entry in ClinVar:

NM_001113491.2(SEPTIN9):c.1060G>A (p.Val354Ile)

Gene: SEPTIN9 (septin 9; plus strand). Cytogenetic location: 17q25.3.
Variant type: single nucleotide variant.
Coding change: c.1060G>A on transcript NM_001113491.2 (MANE Select); coding-DNA position 1060, G replaced by A.
Protein change: p.Val354Ile; replaces valine 354 with isoleucine.
Molecular consequence: missense variant.
Genome position (GRCh38, 1-based): chr17:77,488,257, G>A. VCF-style: chr17-77488257-G-A. GRCh37 (hg19) VCF-style: chr17-75484339-G-A.
Other names: c.568G>A, p.Val190Ile (NM_001113492.2, NM_001113494.1); c.1039G>A, p.Val347Ile (NM_001113493.2); c.307G>A, p.Val103Ile (NM_001113495.2, NM_001113496.2, NM_001293697.2 and 1 more transcripts); c.1003G>A, p.Val335Ile (NM_001293695.2); c.388G>A, p.Val130Ile (NM_001293696.2); c.1006G>A, p.Val336Ile (NM_006640.5); short protein forms V103I, V130I, V190I, V335I, V336I, V347I, V354I.
Identifiers: ClinVar variation 2445485 (VCV002445485.5), dbSNP rs779941348, ClinGen allele CA8793672.

ClinVar aggregate classification (germline): Uncertain significance. Review status: criteria provided, multiple submitters, no conflicts (2 of 4 stars). 2 submissions from 2 submitters: Uncertain significance (2). Last evaluated 2024-08-21.

Allele frequency attached by ClinVar (database versions not stated): ExAC 0.00001; gnomAD exomes 0.00002; TOPMed 0.00004; gnomAD 0.00005.

Submissions (2):

Women's Health and Genetics/Laboratory Corporation of America, LabCorp
Classification: Uncertain significance. Last evaluated: 2024-08-21. Review status: criteria provided, single submitter. Criteria: LabCorp Variant Classification Summary - May 2015. Collection method: clinical testing. Allele origin: germline.
Comment: Variant summary: SEPTIN9 c.1006G>A (p.Val336Ile) results in a conservative amino acid change located in the Septin-type guanine nucleotide-binding (G) domain (IPR030379) of the encoded protein sequence. Three of five in-silico tools predict a benign effect of the variant on protein function. The variant allele was found at a frequency of 1.9e-05 in 1613676 control chromosomes. This frequency is not significantly higher than estimated for a pathogenic variant in SEPTIN9 causing Amyotrophic Neuralgia, allowing no conclusion about variant significance. To our knowledge, no occurrence of c.1006G>A in individuals affected with Amyotrophic Neuralgia and no experimental evidence demonstrating its impact on protein function have been reported. ClinVar contains an entry for this variant (Variation ID: 2445485). Based on the evidence outlined above, the variant was classified as uncertain significance.

Labcorp Genetics (formerly Invitae), Labcorp
Classification: Uncertain significance. Last evaluated: 2023-01-10. Review status: criteria provided, single submitter. Criteria: Invitae Variant Classification Sherloc (09022015). Collection method: clinical testing. Allele origin: germline.
Comment: In summary, the available evidence is currently insufficient to determine the role of this variant in disease. Therefore, it has been classified as a Variant of Uncertain Significance. Advanced modeling of protein sequence and biophysical properties (such as structural, functional, and spatial information, amino acid conservation, physicochemical variation, residue mobility, and thermodynamic stability) performed at Invitae indicates that this missense variant is not expected to disrupt SEPT9 protein function. This variant has not been reported in the literature in individuals affected with SEPT9-related conditions. This variant is present in population databases (rs779941348, gnomAD 0.007%). This sequence change replaces valine, which is neutral and non-polar, with isoleucine, which is neutral and non-polar, at codon 336 of the SEPT9 protein (p.Val336Ile).